The following continues an entry in ClinVar:

NM_033109.5(PNPT1):c.1519G>T (p.Ala507Ser)

Gene: PNPT1. ClinVar aggregate classification (germline): Pathogenic/Likely pathogenic. Pathogenic (10); Likely pathogenic (5).

Submissions 12 to 17 of 17:

Ambry Genetics
Classification: Pathogenic for Inborn genetic diseases. Last evaluated: 2018-12-19. Review status: criteria provided, single submitter. Criteria: Ambry exome assertion method (8-5-2015). Collection method: clinical testing. Allele origin: germline. Affected: yes. Observed: 2 variant alleles.

3billion
Classification: Likely pathogenic for Combined oxidative phosphorylation defect type 13. Review status: criteria provided, single submitter. Criteria: ACMG Guidelines, 2015. Collection method: clinical testing. Allele origin: unknown. Affected: yes. Observed: 1 heterozygote.
Comment: The variant is observed at an extremely low frequency in the gnomAD v2.1.1 dataset (total allele frequency: 0.021%). In silico tool predictions suggest damaging effect of the variant on gene or gene product (REVEL: 0.26; 3Cnet: 0.64). Same nucleotide change resulting in same amino acid change has been previously reported as pathogenic/likely pathogenic with strong evidence (ClinVar ID: VCV000215010 / PMID: 25457163). A different missense change at the same codon (p.Ala507Gly) has been reported to be associated with PNPT1 related disorder (PMID: 32020600). Therefore, this variant is classified as Likely pathogenic according to the recommendation of ACMG/AMP guideline.

Baylor Genetics
Classification: Pathogenic for Spinocerebellar ataxia type 25. Review status: criteria provided, single submitter. Criteria: ACMG Guidelines, 2015. Collection method: clinical testing. Allele origin: unknown.

Kids Research, The Children's Hospital at Westmead
Classification: Pathogenic for Combined oxidative phosphorylation defect type 13; Autosomal recessive nonsyndromic hearing loss 70. Review status: criteria provided, single submitter. Criteria: ACMG Guidelines, 2015. Collection method: research. Allele origin: inherited. Inheritance: Autosomal recessive inheritance. Affected: yes.

OMIM
Classification: Pathogenic for COMBINED OXIDATIVE PHOSPHORYLATION DEFICIENCY 13. Last evaluated: 2015-11-01. Review status: no assertion criteria provided. Collection method: literature only. Allele origin: germline. Not counted in ClinVar's aggregate classification.

Baylor Genetics
Classification: Uncertain significance for Combined oxidative phosphorylation defect type 13. Last evaluated: 2017-09-01. Review status: flagged submission. Criteria: ACMG Guidelines, 2015. Collection method: clinical testing. Allele origin: germline. Inheritance: Autosomal recessive inheritance. Affected: yes. Not counted in ClinVar's aggregate classification.
Comment: Heterozygotes would be expected to be asymptomatic carriers.
ClinVar note: Reason: Older and outlier claim with insufficient supporting evidence

Literature cited by the submitters: PubMed 30046113 (cited by 4 submitters); PubMed 30831263 (cited by 3 submitters); PubMed 31752325 (cited by 4 submitters); PubMed 25457163 (cited by 6 submitters); PubMed 25326635 (cited by Labcorp Genetics (formerly Invitae), Labcorp and Baylor Genetics); PubMed 32313153 (cited by Labcorp Genetics (formerly Invitae), Labcorp and Kids Research, The Children's Hospital at Westmead); PubMed 11080643 (cited by Ambry Genetics); PubMed 32020600 (cited by 3billion); Slavotinek, A. M. Personal Communication. 2015. San Francisco, Calif. (cited by OMIM).